The following is an entry in ClinVar:

ClinVar aggregate classification (germline): Uncertain significance (0 of 4 stars; one submission).

Conditions:
Leukoencephalopathy with vanishing white matter 5 (VWM5). Also called: Leukoencephalopathy with vanishing white matter 5, with or without ovarian failure; EIF2B5-Related Childhood Ataxia with Central Nervous System Hypomyelination/Vanishing White Matter. Identifiers: MedGen C5779973, MONDO:0957873, OMIM 620315.

gnomAD v4.1: 1 of 1,614,014 alleles (0.000062%); highest among the groups gnomAD compares: Non-Finnish European, 0.000085%; no homozygotes.

Submission:

Hong-Tao Li Lab, Institute of Brain Science and Brain-inspired Research, Shandong First Medical University & Shandong Academy of Medical Sciences China
Classification: Uncertain significance for Leukoencephalopathy with vanishing white matter 5. Review status: no assertion criteria provided. Collection method: research. Allele origin: germline. Inheritance: Autosomal recessive inheritance. Affected: yes. Observed: 1 variant allele, 1 homozygote.
Comment: Observed in affected individuals from a Pakistani neurodevelopmental-disorder research cohort of 263 individuals. Classification assigned using the ACMG/AMP framework.

NM_003907.3(EIF2B5):c.743A>T (p.His248Leu)

Gene: EIF2B5 (eukaryotic translation initiation factor 2B subunit epsilon; plus strand). Cytogenetic location: 3q27.1.
Variant type: single nucleotide variant.
Coding change: c.743A>T on transcript NM_003907.3 (MANE Select); coding-DNA position 743, A replaced by T.
Protein change: p.His248Leu; replaces histidine 248 with leucine.
Molecular consequence: missense variant.
Genome position (GRCh38, 1-based): chr3:184,138,224, A>T. VCF-style: chr3-184138224-A-T. GRCh37 (hg19) VCF-style: chr3-183856012-A-T.
Other names: short protein forms H248L.
Identifiers: ClinVar variation 4884816 (VCV004884816.1).